The following is an entry in ClinVar:

NM_001148.6(ANK2):c.11429T>C (p.Leu3810Pro)

Gene: ANK2 (ankyrin 2; plus strand). Cytogenetic location: 4q26.
Variant type: single nucleotide variant.
Coding change: c.11429T>C on transcript NM_001148.6 (MANE Select); coding-DNA position 11429, T replaced by C.
Protein change: p.Leu3810Pro; replaces leucine 3810 with proline.
Molecular consequence: missense variant.
Genome position (GRCh38, 1-based): chr4:113,369,624, T>C. VCF-style: chr4-113369624-T-C. GRCh37 (hg19) VCF-style: chr4-114290780-T-C.
Other names: c.5147T>C, p.Leu1716Pro (NM_001127493.3); c.5186T>C, p.Leu1729Pro (NM_001354225.2); c.5075T>C, p.Leu1692Pro (NM_001354228.2, NM_001354258.2); c.5153T>C, p.Leu1718Pro (NM_001354230.2); c.5216T>C, p.Leu1739Pro (NM_001354231.2, NM_001354242.2); c.5210T>C, p.Leu1737Pro (NM_001354232.2); c.5171T>C, p.Leu1724Pro (NM_001354235.2, NM_001354246.2, NM_001354265.2); c.5072T>C, p.Leu1691Pro (NM_001354236.2); and 35 more; short protein forms L1597P, L1625P, L1650P, L1652P, L1654P, L1667P, L1718P, L2610P.
Identifiers: ClinVar variation 4992094 (VCV004992094.1).

ClinVar aggregate classification (germline): Uncertain significance (1 of 4 stars; one submission).

Conditions:
ANK2-related disorder. Also called: ANK2-related condition.

Submission:

PreventionGenetics, part of Exact Sciences
Classification: Uncertain significance for ANK2-related condition. Last evaluated: 2026-09-15. Review status: criteria provided, single submitter. Criteria: ACMG Guidelines, 2015. Collection method: clinical testing. Allele origin: germline.
Comment: The ANK2 c.11429T>C variant is predicted to result in the amino acid substitution p.Leu3810Pro. To our knowledge, this variant has not been reported in the literature or in a large population database (gnomAD), indicating this variant is rare. At this time, the clinical significance of this variant is uncertain due to the absence of conclusive functional and genetic evidence.